The following is an entry in ClinVar:

NM_194248.3(OTOF):c.2618C>A (p.Ser873Tyr)

Gene: OTOF (otoferlin; minus strand). Cytogenetic location: 2p23.3.
Variant type: single nucleotide variant.
Coding change: c.2618C>A on transcript NM_194248.3 (MANE Select); coding-DNA position 2618, C replaced by A.
Protein change: p.Ser873Tyr; replaces serine 873 with tyrosine.
Molecular consequence: missense variant.
Genome position (GRCh38, 1-based): chr2:26,476,949, G>T on the plus strand (C>A on the coding strand, the complement: OTOF is on the minus strand). VCF-style: chr2-26476949-G-T. GRCh37 (hg19) VCF-style: chr2-26699817-G-T.
Other names: c.2618C>A, p.Ser873Tyr (NM_001287489.2); c.377C>A, p.Ser126Tyr (NM_004802.4, NM_194323.3); c.548C>A, p.Ser183Tyr (NM_194322.3); short protein forms S183Y, S126Y, S873Y.
Identifiers: ClinVar variation 4698421 (VCV004698421.1).

ClinVar aggregate classification (germline): Uncertain significance (1 of 4 stars; one submission).

Submission:

Labcorp Genetics (formerly Invitae), Labcorp
Classification: Uncertain significance. Last evaluated: 2025-01-27. Review status: criteria provided, single submitter. Criteria: Invitae Variant Classification Sherloc (09022015). Collection method: clinical testing. Allele origin: germline.
Comment: This sequence change replaces serine, which is neutral and polar, with tyrosine, which is neutral and polar, at codon 873 of the OTOF protein (p.Ser873Tyr). This variant is not present in population databases (gnomAD no frequency). This missense change has been observed in individual(s) with auditory neuropathy spectrum (internal data). In at least one individual the data is consistent with being in trans (on the opposite chromosome) from a pathogenic variant. Invitae Evidence Modeling of protein sequence and biophysical properties (such as structural, functional, and spatial information, amino acid conservation, physicochemical variation, residue mobility, and thermodynamic stability) has been performed for this missense variant. However, the output from this modeling did not meet the statistical confidence thresholds required to predict the impact of this variant on OTOF protein function. In summary, the available evidence is currently insufficient to determine the role of this variant in disease. Therefore, it has been classified as a Variant of Uncertain Significance.